The following is an entry in ClinVar:

ClinVar aggregate classification (germline): Pathogenic. Review status: criteria provided, multiple submitters, no conflicts (2 of 4 stars). 3 submissions from 3 submitters: Pathogenic (2). 1 of the submissions does not count toward it. Last evaluated 2026-02-06.

Conditions:
PTH1R-related disorder. Also called: PTH1R-related condition.
Chondrodysplasia Blomstrand type (BOCD). Identifiers: Orphanet 50945, MedGen C1859148, MONDO:0008970, OMIM 215045.

Allele frequency attached by ClinVar (database versions not stated): gnomAD exomes below 0.00001; gnomAD 0.00001.
gnomAD v4.1: 3 of 1,613,932 alleles (0.00019%); highest among the groups gnomAD compares: Non-Finnish European, 0.00025%; no homozygotes.

Submissions (3):

PreventionGenetics, part of Exact Sciences
Classification: Pathogenic for PTH1R-related condition. Last evaluated: 2026-02-06. Review status: criteria provided, single submitter. Criteria: ACMG Guidelines, 2015. Collection method: clinical testing. Allele origin: germline.
Comment: The PTH1R c.1148G>A variant is predicted to result in the amino acid substitution p.Arg383Gln. This variant is predicted to alter splicing based on available splicing prediction software (SpliceAI, Jaganathan et al. 2019. PubMed ID: 30661751) and has been shown in cDNA studies to result in the in-frame deletion of 11 amino acids (p.Leu373_Arg383del) (Jobert et al. 1998. PubMed ID: 9649554). This variant has been reported in multiple individuals with autosomal dominant primary failure of tooth eruption (PFE) and to segregate with the disease in a large family (Yamaguchi et al. 2011. PubMed ID: 21404329; Roth et al. 2013. PubMed ID: 23771181). This variant has also been reported in the presumably compound heterozygous state in a stillborn fetus with autosomal recessive Blomstrand chondrodysplasia (BOCD) (Jobert et al. 1998. PubMed ID: 9649554). Functional studies with abnormally spliced transcripts from patient cells found normal expression but strongly reduced protein function while recombinant full transcripts carrying the variant showed much smaller impact (Jobert et al. 1998. PubMed ID: 9649554; Izumida et al. 2020. PubMed ID: 31986066). This variant is reported in 0.00088% of alleles in individuals of European (Non-Finnish) descent in gnomAD. This variant is interpreted as pathogenic.

Labcorp Genetics (formerly Invitae), Labcorp
Classification: Pathogenic. Last evaluated: 2022-06-08. Review status: criteria provided, single submitter. Criteria: Invitae Variant Classification Sherloc (09022015). Collection method: clinical testing. Allele origin: germline.
Comment: For these reasons, this variant has been classified as Pathogenic. Studies have shown that this missense change results in the activation of a cryptic splice site in exon 13 (PMID: 9649554). Experimental studies are conflicting or provide insufficient evidence to determine the effect of this variant on PTH1R function (PMID: 31986066). Algorithms developed to predict the effect of missense changes on protein structure and function (SIFT, PolyPhen-2, Align-GVGD) all suggest that this variant is likely to be disruptive. ClinVar contains an entry for this variant (Variation ID: 13744). This missense change has been observed in individuals with autosomal dominant primary failure of tooth eruption (PMID: 21404329, 23771181). It has also been observed to segregate with disease in related individuals. This variant is present in population databases (rs398122843, gnomAD 0.0009%). This sequence change replaces arginine, which is basic and polar, with glutamine, which is neutral and polar, at codon 383 of the PTH1R protein (p.Arg383Gln). RNA analysis indicates that this missense change induces altered splicing and likely results in the loss of 11 amino acid residue(s), but is expected to preserve the integrity of the reading-frame.

OMIM
Classification: Pathogenic for CHONDRODYSPLASIA, BLOMSTRAND TYPE. Last evaluated: 1998-07-01. Review status: no assertion criteria provided. Collection method: literature only. Allele origin: germline. Not counted in ClinVar's aggregate classification.

Literature cited by the submitters: PubMed 9649554 (cited by Labcorp Genetics (formerly Invitae), Labcorp and OMIM); PubMed 31986066 (cited by Labcorp Genetics (formerly Invitae), Labcorp); PubMed 21404329 (cited by Labcorp Genetics (formerly Invitae), Labcorp); PubMed 23771181 (cited by Labcorp Genetics (formerly Invitae), Labcorp); PubMed 9268097 (cited by OMIM).

NM_000316.3(PTH1R):c.1148G>A (p.Arg383Gln)

Gene: PTH1R (parathyroid hormone 1 receptor; plus strand). Cytogenetic location: 3p21.31.
Variant type: single nucleotide variant.
Coding change: c.1148G>A on transcript NM_000316.3 (MANE Select); coding-DNA position 1148, G replaced by A.
Protein change: p.Arg383Gln; replaces arginine 383 with glutamine.
Molecular consequence: missense variant.
Genome position (GRCh38, 1-based): chr3:46,901,797, G>A. VCF-style: chr3-46901797-G-A. GRCh37 (hg19) VCF-style: chr3-46943287-G-A.
Other names: c.1148G>A, p.Arg383Gln (NM_001184744.1); c.1148G>A (NM_000316.2); short protein forms R383Q.
Identifiers: ClinVar variation 13744 (VCV000013744.6), dbSNP rs398122843, ClinGen allele CA123423.